The following is an entry in ClinVar:

ClinVar aggregate classification (germline): Uncertain significance. Review status: criteria provided, multiple submitters, no conflicts (2 of 4 stars). 2 submissions from 2 submitters: Uncertain significance (2). Last evaluated 2024-12-23.

Conditions:
Neurodevelopmental-craniofacial syndrome with variable renal and cardiac abnormalities. Identifiers: MedGen C5561984, MONDO:0859190, OMIM 619522.

gnomAD v4.1: 26 of 1,608,016 alleles (0.0016%); highest among the groups gnomAD compares: Non-Finnish European, 0.0021%; no homozygotes.

Submissions (2):

Women's Health and Genetics/Laboratory Corporation of America, LabCorp
Classification: Uncertain significance. Last evaluated: 2024-12-23. Review status: criteria provided, single submitter. Criteria: LabCorp Variant Classification Summary - May 2015. Collection method: clinical testing. Allele origin: germline.
Comment: Variant summary: ZMYM2 c.1672A>G (p.Met558Val) results in a conservative amino acid change located in the MYM-type Zinc finger with FCS sequence motif (IPR010507) of the encoded protein sequence. Four of five in-silico tools predict a benign effect of the variant on protein function. The variant allele was found at a frequency of 2.1e-05 in 242106 control chromosomes. The available data on variant occurrences in the general population are insufficient to allow any conclusion about variant significance. To our knowledge, no occurrence of c.1672A>G in individuals affected with Neurodevelopmental-Craniofacial Syndrome With Variable Renal And Cardiac Abnormalities and no experimental evidence demonstrating its impact on protein function have been reported. No submitters have cited clinical-significance assessments for this variant to ClinVar. Based on the evidence outlined above, the variant was classified as uncertain significance.

ARUP Laboratories, Molecular Genetics and Genomics, ARUP Laboratories
Classification: Uncertain significance for Neurodevelopmental-craniofacial syndrome with variable renal and cardiac abnormalities. Last evaluated: 2023-12-21. Review status: criteria provided, single submitter. Criteria: ARUP Molecular Germline Variant Investigation Process 2024. Collection method: clinical testing. Allele origin: germline.

NM_197968.4(ZMYM2):c.1672A>G (p.Met558Val)

Gene: ZMYM2 (zinc finger MYM-type containing 2; plus strand). Cytogenetic location: 13q12.11.
Variant type: single nucleotide variant.
Coding change: c.1672A>G on transcript NM_197968.4 (MANE Select); coding-DNA position 1672, A replaced by G.
Protein change: p.Met558Val; replaces methionine 558 with valine.
Molecular consequence: missense variant. On other transcripts: non-coding transcript variant (1).
Genome position (GRCh38, 1-based): chr13:20,026,699, A>G. VCF-style: chr13-20026699-A-G. GRCh37 (hg19) VCF-style: chr13-20600839-A-G.
Other names: c.1672A>G, p.Met558Val (NM_001190964.4, NM_001190965.4, NM_001353157.2 and 5 more transcripts); c.1477A>G, p.Met493Val (NM_001353161.3); c.1411A>G, p.Met471Val (NM_001353163.2); short protein forms M471V, M493V, M558V.
Identifiers: ClinVar variation 3766776 (VCV003766776.2).
Genomic context (GRCh38, chr13:20,026,699, plus strand): 5'-GGTTGCCGAACACAGTGCAGGTTTTTTGATATGACTCAGTGTATAGGTCCTAATGGATAT[A>G]TGGAGCCATATTGTTCAACTGCTTGTATGAACAGTCACAAGACAAAATATGCAAAATCAC-3'
Protein context (NP_932072.1, residues 548-568): MTQCIGPNGY[Met558Val]EPYCSTACMN